The following is an entry in ClinVar:

ClinVar aggregate classification (germline): Uncertain significance (1 of 4 stars; one submission).

Submission:

GeneDx
Classification: Uncertain significance. Last evaluated: 2024-12-14. Review status: criteria provided, single submitter. Criteria: GeneDx Variant Classification Process June 2021. Collection method: clinical testing. Allele origin: germline. Affected: yes.
Comment: Not observed at significant frequency in large population cohorts (gnomAD); In silico analysis indicates that this missense variant does not alter protein structure/function; Has not been previously published as pathogenic or benign to our knowledge

NM_000173.7(GP1BA):c.775G>C (p.Val259Leu)

Gene: GP1BA (glycoprotein Ib platelet subunit alpha; plus strand). Cytogenetic location: 17p13.2.
Variant type: single nucleotide variant.
Coding change: c.775G>C on transcript NM_000173.7 (MANE Select); coding-DNA position 775, G replaced by C.
Protein change: p.Val259Leu; replaces valine 259 with leucine.
Molecular consequence: missense variant.
Genome position (GRCh38, 1-based): chr17:4,933,379, G>C. VCF-style: chr17-4933379-G-C. GRCh37 (hg19) VCF-style: chr17-4836674-G-C.
Other names: short protein forms V259L.
Identifiers: ClinVar variation 3903003 (VCV003903003.1).